The following is an entry in ClinVar:

ClinVar aggregate classification (germline): Uncertain significance (1 of 4 stars; one submission).

Conditions:
Inborn genetic diseases. Identifiers: MedGen C0950123, MeSH D030342.

Submission:

Ambry Genetics
Classification: Uncertain significance for Inborn genetic diseases. Last evaluated: 2025-11-19. Review status: criteria provided, single submitter. Criteria: Ambry Variant Classification Scheme 2023. Collection method: clinical testing. Allele origin: germline.
Comment: The p.S304Y variant (also known as c.911C>A), located in coding exon 6 of the MECOM gene, results from a C to A substitution at nucleotide position 911. The serine at codon 304 is replaced by tyrosine, an amino acid with dissimilar properties. This amino acid position is conserved. In addition, the in silico prediction for this alteration is inconclusive. Based on the available evidence, the clinical significance of this variant remains unclear.

NM_004991.4(MECOM):c.911C>A (p.Ser304Tyr)

Gene: MECOM (MDS1 and EVI1 complex locus; minus strand). Cytogenetic location: 3q26.2.
Variant type: single nucleotide variant.
Coding change: c.911C>A on transcript NM_004991.4 (MANE Select); coding-DNA position 911, C replaced by A.
Protein change: p.Ser304Tyr; replaces serine 304 with tyrosine.
Molecular consequence: missense variant.
Genome position (GRCh38, 1-based): chr3:169,122,647, G>T on the plus strand (C>A on the coding strand, the complement: MECOM is on the minus strand). VCF-style: chr3-169122647-G-T. GRCh37 (hg19) VCF-style: chr3-168840435-G-T.
Other names: c.347C>A, p.Ser116Tyr (NM_001366468.2, NM_001366469.2, NM_001366470.2 and 9 more transcripts); c.911C>A, p.Ser304Tyr (NM_001366473.2, NM_001366466.2); c.539C>A, p.Ser180Tyr (NM_001105077.4); short protein forms S116Y, S180Y, S304Y.
Identifiers: ClinVar variation 4624700 (VCV004624700.1).